The following is an entry in ClinVar:

ClinVar aggregate classification (germline): Uncertain significance (1 of 4 stars; one submission).

Conditions:
Cardiovascular phenotype. Identifiers: MedGen CN230736.

Submission:

Ambry Genetics
Classification: Uncertain significance for Cardiovascular phenotype. Last evaluated: 2023-10-27. Review status: criteria provided, single submitter. Criteria: Ambry Variant Classification Scheme 2023. Collection method: clinical testing. Allele origin: germline.
Comment: The p.G878A variant (also known as c.2633G>C), located in coding exon 17 of the TRPM4 gene, results from a G to C substitution at nucleotide position 2633. The glycine at codon 878 is replaced by alanine, an amino acid with similar properties. This amino acid position is conserved. In addition, the in silico prediction for this alteration is inconclusive. Since supporting evidence is limited at this time, the clinical significance of this alteration remains unclear.

NM_017636.4(TRPM4):c.2633G>C (p.Gly878Ala)

Gene: TRPM4 (transient receptor potential cation channel subfamily M member 4; plus strand). Cytogenetic location: 19q13.33.
Variant type: single nucleotide variant.
Coding change: c.2633G>C on transcript NM_017636.4 (MANE Select); coding-DNA position 2633, G replaced by C.
Protein change: p.Gly878Ala; replaces glycine 878 with alanine.
Molecular consequence: missense variant. On other transcripts: intron variant (1).
Genome position (GRCh38, 1-based): chr19:49,196,862, G>C. VCF-style: chr19-49196862-G-C. GRCh37 (hg19) VCF-style: chr19-49700119-G-C.
Other names: c.2288G>C, p.Gly763Ala (NM_001321281.2); c.1025G>C, p.Gly342Ala (NM_001321282.2); c.2111G>C, p.Gly704Ala (NM_001321283.2); c.1571G>C, p.Gly524Ala (NM_001321285.2); c.2211-3438G>C (NM_001195227.2); short protein forms G342A, G524A, G704A, G763A, G878A.
Identifiers: ClinVar variation 3227018 (VCV003227018.1), dbSNP rs2514181218, ClinGen allele CA406809620.
Genomic context (GRCh38, chr19:49,196,862, plus strand): 5'-TCTACCTCGCCGACAGCTGGAACCAGTGCGACCTAGTGGCTCTCACCTGCTTCCTCCTGG[G>C]CGTGGGCTGCCGGTGAGTGCCCCGGGGCCTTGGAACCCTGGCCCCTGGCCACCTCTCATC-3'
Protein context (NP_060106.2, residues 868-888): DLVALTCFLL[Gly878Ala]VGCRLTPGLY